The following is an entry in ClinVar:

NM_000083.3(CLCN1):c.1109G>A (p.Arg370His)

Gene: CLCN1 (chloride voltage-gated channel 1; plus strand). Cytogenetic location: 7q34.
Variant type: single nucleotide variant.
Coding change: c.1109G>A on transcript NM_000083.3 (MANE Select); coding-DNA position 1109, G replaced by A.
Protein change: p.Arg370His; replaces arginine 370 with histidine.
Molecular consequence: missense variant. On other transcripts: non-coding transcript variant (1).
Genome position (GRCh38, 1-based): chr7:143,331,595, G>A. VCF-style: chr7-143331595-G-A. GRCh37 (hg19) VCF-style: chr7-143028688-G-A.
Other names: c.1109G>A (NM_000083.2); short protein forms R370H.
Identifiers: ClinVar variation 2162661 (VCV002162661.6), dbSNP rs143009041, ClinGen allele CA4537242.
Genomic context (GRCh38, chr7:143,331,595, plus strand): 5'-TAAATTACACCCTCAGGATTTGCTGTGGGCTCCTGGGAGCTGTATTTGTGTATCTGCATC[G>A]CCAAGTCATGCTCGGTGTCCGAAAGCACAAGGCCCTCAGCCAGTTTCTTGCTAAGCAGTG-3'
Protein context (NP_000074.3, residues 360-380): LLGAVFVYLH[Arg370His]QVMLGVRKHK

ClinVar aggregate classification (germline): Uncertain significance. Review status: criteria provided, multiple submitters, no conflicts (2 of 4 stars). 3 submissions from 3 submitters: Uncertain significance (3). Last evaluated 2024-12-31.

Conditions:
Inborn genetic diseases. Identifiers: MedGen C0950123, MeSH D030342.
Congenital myotonia, autosomal dominant form (THD). Also called: THOMSEN DISEASE; Myotonia congenita autosomal dominant. Identifiers: Orphanet 614, MedGen C2936781, MONDO:0008055, OMIM 160800.
Congenital myotonia, autosomal recessive form. Also called: BECKER DISEASE; myotonia congenita, autosomal recessive; Becker Generalized Myotonia. Identifiers: Orphanet 614, MedGen C0751360, MONDO:0009715, OMIM 255700.

Allele frequency attached by ClinVar (database versions not stated): ExAC 0.00001; gnomAD 0.00002; TOPMed 0.00002; ESP Exome Variant Server 0.00008.
gnomAD v4.1: 26 of 1,613,936 alleles (0.0016%); highest among the groups gnomAD compares: Admixed American, 0.0083%; no homozygotes.

Submissions (3):

Labcorp Genetics (formerly Invitae), Labcorp
Classification: Uncertain significance for Congenital myotonia, autosomal recessive form; Congenital myotonia, autosomal dominant form. Last evaluated: 2024-12-31. Review status: criteria provided, single submitter. Criteria: Invitae Variant Classification Sherloc (09022015). Collection method: clinical testing. Allele origin: germline.
Comment: This sequence change replaces arginine, which is basic and polar, with histidine, which is basic and polar, at codon 370 of the CLCN1 protein (p.Arg370His). This variant is present in population databases (rs143009041, gnomAD 0.01%). This variant has not been reported in the literature in individuals affected with CLCN1-related conditions. ClinVar contains an entry for this variant (Variation ID: 2162661). Invitae Evidence Modeling of protein sequence and biophysical properties (such as structural, functional, and spatial information, amino acid conservation, physicochemical variation, residue mobility, and thermodynamic stability) indicates that this missense variant is expected to disrupt CLCN1 protein function with a positive predictive value of 95%. In summary, the available evidence is currently insufficient to determine the role of this variant in disease. Therefore, it has been classified as a Variant of Uncertain Significance.

Ambry Genetics
Classification: Uncertain significance for Inborn genetic diseases. Last evaluated: 2023-05-17. Review status: criteria provided, single submitter. Criteria: Ambry Variant Classification Scheme 2023. Collection method: clinical testing. Allele origin: germline.

Revvity Omics, Revvity
Classification: Uncertain significance. Last evaluated: 2023-03-29. Review status: criteria provided, single submitter. Criteria: ACMG Guidelines, 2015. Collection method: clinical testing. Allele origin: germline.